The following is an entry in ClinVar:

NM_000142.5(FGFR3):c.856del (p.Gln286fs)

Gene: FGFR3 (fibroblast growth factor receptor 3; plus strand). Cytogenetic location: 4p16.3.
Variant type: Deletion.
Coding change: c.856del on transcript NM_000142.5 (MANE Select); coding-DNA position 856, one base deleted (C; older notation c.856delC).
Protein change: p.Gln286fs; shifts the reading frame from glutamine 286.
Molecular consequence: frameshift variant. On other transcripts: non-coding transcript variant (1).
Genome position (GRCh38, 1-based): chr4:1,801,951, C deleted; the last of 2 consecutive C bases (chr4:1,801,950-1,801,951); deleting either gives the same sequence. VCF-style (leftmost placement, unchanged base first): chr4-1801949-TC-T. GRCh37 (hg19) VCF-style: chr4-1803676-TC-T.
Other names: c.856del, p.Gln286fs (NM_001163213.2, NM_001354809.2, NM_001354810.2 and 1 more transcripts); short protein forms Q286fs.
Identifiers: ClinVar variation 2828531 (VCV002828531.3), dbSNP rs2546807572, ClinGen allele CA2739270009.

ClinVar aggregate classification (germline): Uncertain significance (1 of 4 stars; one submission).

Submission:

Labcorp Genetics (formerly Invitae), Labcorp
Classification: Uncertain significance. Last evaluated: 2023-01-14. Review status: criteria provided, single submitter. Criteria: Invitae Variant Classification Sherloc (09022015). Collection method: clinical testing. Allele origin: germline.
Comment: In summary, the available evidence is currently insufficient to determine the role of this variant in disease. Therefore, it has been classified as a Variant of Uncertain Significance. This variant has not been reported in the literature in individuals affected with FGFR3-related conditions. This variant is not present in population databases (gnomAD no frequency). This sequence change creates a premature translational stop signal (p.Gln286Serfs*8) in the FGFR3 gene. It is expected to result in an absent or disrupted protein product. However, the current clinical and genetic evidence is not sufficient to establish whether loss-of-function variants in FGFR3 cause disease.